The following is an entry in ClinVar:

NM_001378414.1(HDAC4):c.992A>C (p.His331Pro)

Gene: HDAC4 (histone deacetylase 4; minus strand). Cytogenetic location: 2q37.3.
Variant type: single nucleotide variant.
Coding change: c.992A>C on transcript NM_001378414.1 (MANE Select); coding-DNA position 992, A replaced by C.
Protein change: p.His331Pro; replaces histidine 331 with proline.
Molecular consequence: missense variant.
Genome position (GRCh38, 1-based): chr2:239,134,630, T>G on the plus strand (A>C on the coding strand, the complement: HDAC4 is on the minus strand). VCF-style: chr2-239134630-T-G. GRCh37 (hg19) VCF-style: chr2-240056326-T-G.
Other names: c.992A>C, p.His331Pro (NM_001378415.1, NM_001378416.1, NM_001378417.1 and 1 more transcripts); c.911A>C, p.His304Pro (NM_001435991.1, NM_001435992.1, NM_001435994.1 and 1 more transcripts); c.848A>C, p.His283Pro (NM_001435993.1); c.977A>C, p.His326Pro (NM_001435996.1); short protein forms H283P, H304P, H326P, H331P.
Identifiers: ClinVar variation 4885302 (VCV004885302.2).

ClinVar aggregate classification (germline): Uncertain significance (1 of 4 stars; one submission).

gnomAD v4.1: 1 of 1,613,798 alleles (0.000062%); no homozygotes.

Submission:

Dasa
Classification: Uncertain significance. Last evaluated: 2026-03-24. Review status: criteria provided, single submitter. Criteria: DASA Assertion Criteria. Collection method: clinical testing. Allele origin: germline.
Comment: NM_001378414.1(HDAC4):c.992A>C (p.His331Pro) is a missense variant that results in the substitution of histidine with proline. This variant is rare in population databases. Computational prediction algorithms are consistent with a benign effect. The currently available literature and clinical evidence are not sufficient to establish a definitive association between this variant and the reported condition. Therefore, this variant is classified as a variant of uncertain significance.